The following is an entry in ClinVar:

ClinVar aggregate classification (germline): Likely benign. Review status: criteria provided, multiple submitters, no conflicts (2 of 4 stars). 2 submissions from 2 submitters: Likely benign (2). Last evaluated 2018-06-14.

Allele frequency attached by ClinVar (database versions not stated): gnomAD exomes 0.00131; gnomAD 0.00874 and 0.00934; TOPMed 0.00992; 1000 Genomes Project 0.01018; 1000 Genomes Project 30x 0.01062.

Submissions (2):

GeneDx
Classification: Likely benign. Last evaluated: 2018-06-14. Review status: criteria provided, single submitter. Criteria: GeneDx Variant Classification (06012015). Collection method: clinical testing. Allele origin: germline. Affected: yes.
Comment: This variant is considered likely benign or benign based on one or more of the following criteria: it is a conservative change, it occurs at a poorly conserved position in the protein, it is predicted to be benign by multiple in silico algorithms, and/or has population frequency not consistent with disease.

Breakthrough Genomics
Classification: Likely benign. Review status: criteria provided, single submitter. Criteria: ACMG Guidelines, 2015. Collection method: not provided. Allele origin: germline. Inheritance: Autosomal recessive inheritance. Affected: yes.

NM_000108.5(DLD):c.337+105A>G

Gene: DLD (dihydrolipoamide dehydrogenase; plus strand). Cytogenetic location: 7q31.1.
Variant type: single nucleotide variant.
Coding change: c.337+105A>G on transcript NM_000108.5 (MANE Select); 105 bases into the intron after coding-DNA position 337, A replaced by G.
Molecular consequence: intron variant.
Genome position (GRCh38, 1-based): chr7:107,903,652, A>G. VCF-style: chr7-107903652-A-G. GRCh37 (hg19) VCF-style: chr7-107544097-A-G.
Other names: c.337+105A>G (NM_001289752.1); c.268+105A>G (NM_001289751.1); c.40+105A>G (NM_001289750.1).
Identifiers: ClinVar variation 678334 (VCV000678334.2), dbSNP rs2701043, ClinGen allele CA15499451.